The following is an entry in ClinVar:

NM_025074.7(FRAS1):c.667G>A (p.Ala223Thr)

Gene: FRAS1 (Fraser extracellular matrix complex subunit 1; plus strand). Cytogenetic location: 4q21.21.
Variant type: single nucleotide variant.
Coding change: c.667G>A on transcript NM_025074.7 (MANE Select); coding-DNA position 667, G replaced by A.
Protein change: p.Ala223Thr; replaces alanine 223 with threonine.
Molecular consequence: missense variant.
Genome position (GRCh38, 1-based): chr4:78,265,088, G>A. VCF-style: chr4-78265088-G-A. GRCh37 (hg19) VCF-style: chr4-79186242-G-A.
Other names: c.667G>A, p.Ala223Thr (NM_001166133.2); short protein forms A223T.
Identifiers: ClinVar variation 349665 (VCV000349665.13), dbSNP rs200123398, ClinGen allele CA2976033.

ClinVar aggregate classification (germline): Conflicting classifications of pathogenicity. Review status: criteria provided, conflicting classifications (1 of 4 stars). 3 submissions from 3 submitters: Uncertain significance (1); Likely benign (2). Last evaluated 2026-01-20.

Conditions:
FRAS1-related disorder. Also called: FRAS1-related condition.
Fraser syndrome 1 (FRASRS1). Also called: CRYPTOPHTHALMOS WITH OTHER MALFORMATIONS. Identifiers: Orphanet 2052, MedGen C4551480, MONDO:0054737, OMIM 219000.

Allele frequency attached by ClinVar (database versions not stated): gnomAD exomes 0.00008 and 0.00017; gnomAD 0.00009; ExAC 0.00011; TOPMed 0.00013; ESP Exome Variant Server 0.00016.
gnomAD v4.1: 136 of 1,612,868 alleles (0.0084%); highest among the groups gnomAD compares: African/African-American, 0.0027%; no homozygotes.

Submissions (3):

Labcorp Genetics (formerly Invitae), Labcorp
Classification: Likely benign. Last evaluated: 2026-01-20. Review status: criteria provided, single submitter. Criteria: Invitae Variant Classification Sherloc (09022015). Collection method: clinical testing. Allele origin: germline.

PreventionGenetics, part of Exact Sciences
Classification: Likely benign for FRAS1-related condition. Last evaluated: 2024-11-08. Review status: criteria provided, single submitter. Criteria: ACMG Guidelines, 2015. Collection method: clinical testing. Allele origin: germline.
Comment: This variant is classified as likely benign based on ACMG/AMP sequence variant interpretation guidelines (Richards et al. 2015 PMID: 25741868, with internal and published modifications).

Illumina Laboratory Services, Illumina
Classification: Uncertain significance for Fraser syndrome 1. Last evaluated: 2018-01-13. Review status: criteria provided, single submitter. Criteria: ICSL Variant Classification Criteria 13 December 2019. Collection method: clinical testing. Allele origin: germline.